The following is an entry in ClinVar:

ClinVar aggregate classification (germline): Uncertain significance (1 of 4 stars; one submission).

Submission:

Labcorp Genetics (formerly Invitae), Labcorp
Classification: Uncertain significance. Last evaluated: 2024-02-09. Review status: criteria provided, single submitter. Criteria: Invitae Variant Classification Sherloc (09022015). Collection method: clinical testing. Allele origin: germline.
Comment: This sequence change replaces threonine, which is neutral and polar, with proline, which is neutral and non-polar, at codon 376 of the PCLO protein (p.Thr376Pro). This variant is not present in population databases (gnomAD no frequency). This variant has not been reported in the literature in individuals affected with PCLO-related conditions. Algorithms developed to predict the effect of missense changes on protein structure and function output the following: SIFT: "Not Available"; PolyPhen-2: "Not Available"; Align-GVGD: "Not Available". The proline amino acid residue is found in multiple mammalian species, which suggests that this missense change does not adversely affect protein function. In summary, the available evidence is currently insufficient to determine the role of this variant in disease. Therefore, it has been classified as a Variant of Uncertain Significance.

NM_033026.6(PCLO):c.1126A>C (p.Thr376Pro)

Gene: PCLO (piccolo presynaptic cytomatrix protein; minus strand). Cytogenetic location: 7q21.11.
Variant type: single nucleotide variant.
Coding change: c.1126A>C on transcript NM_033026.6 (MANE Select); coding-DNA position 1126, A replaced by C.
Protein change: p.Thr376Pro; replaces threonine 376 with proline.
Molecular consequence: missense variant.
Genome position (GRCh38, 1-based): chr7:83,155,515, T>G on the plus strand (A>C on the coding strand, the complement: PCLO is on the minus strand). VCF-style: chr7-83155515-T-G. GRCh37 (hg19) VCF-style: chr7-82784831-T-G.
Other names: c.1126A>C, p.Thr376Pro (NM_014510.3); short protein forms T376P.
Identifiers: ClinVar variation 3638757 (VCV003638757.2).
Genomic context (GRCh38, chr7:83,155,515, plus strand): 5'-CAGGAGGCTGAGCTAAAGCCTTTGGCCCAGGCTGCTCCGATGAAGGCTTCTCTGACCCAG[T>G]CTGCTGAGCTGGAGGCTTAGCAGGACCAAGAGGCTGAGCTGGAGGCTTTGTTGTCCCTGG-3'
Protein context (NP_149015.2, residues 366-386): LGPAKPPAQQ[Thr376Pro]GSEKPSSEQP